The following is an entry in ClinVar:

NM_001098.3(ACO2):c.2302G>C (p.Ala768Pro)

Genes: ACO2 (aconitase 2; plus strand), POLR3H (RNA polymerase III subunit H; minus strand). Cytogenetic location: 22q13.2.
Variant type: single nucleotide variant.
Coding change: c.2302G>C on transcript NM_001098.3 (MANE Select); coding-DNA position 2302, G replaced by C.
Protein change: p.Ala768Pro; replaces alanine 768 with proline.
Molecular consequence: missense variant. On other transcripts: 3 prime UTR variant (5).
Genome position (GRCh38, 1-based): chr22:41,528,572, G>C. VCF-style: chr22-41528572-G-C. GRCh37 (hg19) VCF-style: chr22-41924576-G-C.
Other names: c.*711C>G (NM_001018050.4, NM_001018052.4, NM_001282884.2 and 2 more transcripts); short protein forms A768P.
Identifiers: ClinVar variation 2011988 (VCV002011988.4), dbSNP rs1804785, ClinGen allele CA411729724.

ClinVar aggregate classification (germline): Uncertain significance (1 of 4 stars; one submission).

Submission:

Labcorp Genetics (formerly Invitae), Labcorp
Classification: Uncertain significance. Last evaluated: 2024-02-24. Review status: criteria provided, single submitter. Criteria: Invitae Variant Classification Sherloc (09022015). Collection method: clinical testing. Allele origin: germline.
Comment: This sequence change replaces alanine, which is neutral and non-polar, with proline, which is neutral and non-polar, at codon 768 of the ACO2 protein (p.Ala768Pro). This variant is not present in population databases (gnomAD no frequency). This variant has not been reported in the literature in individuals affected with ACO2-related conditions. ClinVar contains an entry for this variant (Variation ID: 2011988). Advanced modeling of protein sequence and biophysical properties (such as structural, functional, and spatial information, amino acid conservation, physicochemical variation, residue mobility, and thermodynamic stability) performed at Invitae indicates that this missense variant is expected to disrupt ACO2 protein function with a positive predictive value of 80%. In summary, the available evidence is currently insufficient to determine the role of this variant in disease. Therefore, it has been classified as a Variant of Uncertain Significance.